The following is an entry in ClinVar:

ClinVar aggregate classification (germline): Uncertain significance. Review status: criteria provided, multiple submitters, no conflicts (2 of 4 stars). 2 submissions from 2 submitters: Uncertain significance (2). Last evaluated 2024-06-26.

Conditions:
Hereditary cancer-predisposing syndrome. Also called: Tumor predisposition; Neoplastic Syndromes, Hereditary; Hereditary Cancer Syndrome; Hereditary neoplastic syndrome. Identifiers: Orphanet 140162, MedGen C0027672, MeSH D009386, MONDO:0015356.
Ataxia-telangiectasia syndrome (AT). Also called: ATAXIA-TELANGIECTASIA, COMPLEMENTATION GROUP A; ATAXIA-TELANGIECTASIA, FRESNO VARIANT; Ataxia-telangiectasia; Ataxia-telangiectasia, complementation group D; AT, COMPLEMENTATION GROUP C; Ataxia-telangiectasia, complementation group E. Identifiers: Orphanet 100, MedGen C0004135, MONDO:0008840, OMIM 208900.

Submissions (2):

Ambry Genetics
Classification: Uncertain significance for Hereditary cancer-predisposing syndrome. Last evaluated: 2024-06-26. Review status: criteria provided, single submitter. Criteria: Ambry Variant Classification Scheme 2023. Collection method: clinical testing. Allele origin: germline.
Comment: The p.A2787T variant (also known as c.8359G>A), located in coding exon 56 of the ATM gene, results from a G to A substitution at nucleotide position 8359. The alanine at codon 2787 is replaced by threonine, an amino acid with similar properties. This amino acid position is highly conserved in available vertebrate species. In addition, this alteration is predicted to be deleterious by in silico analysis. Based on the available evidence, the clinical significance of this variant remains unclear.

Labcorp Genetics (formerly Invitae), Labcorp
Classification: Uncertain significance for Ataxia-telangiectasia syndrome. Last evaluated: 2024-05-02. Review status: criteria provided, single submitter. Criteria: Invitae Variant Classification Sherloc (09022015). Collection method: clinical testing. Allele origin: germline.
Comment: This sequence change replaces alanine, which is neutral and non-polar, with threonine, which is neutral and polar, at codon 2787 of the ATM protein (p.Ala2787Thr). This variant is not present in population databases (gnomAD no frequency). This variant has not been reported in the literature in individuals affected with ATM-related conditions. ClinVar contains an entry for this variant (Variation ID: 822327). An algorithm developed to predict the effect of missense changes on protein structure and function (PolyPhen-2) suggests that this variant is likely to be disruptive. In summary, the available evidence is currently insufficient to determine the role of this variant in disease. Therefore, it has been classified as a Variant of Uncertain Significance.

NM_000051.4(ATM):c.8359G>A (p.Ala2787Thr)

Genes: C11orf65 (chromosome 11 open reading frame 65; minus strand), ATM (ATM serine/threonine kinase; plus strand). Cytogenetic location: 11q22.3.
Variant type: single nucleotide variant.
Coding change: c.8359G>A on transcript NM_000051.4 (MANE Select); coding-DNA position 8359, G replaced by A.
Protein change: p.Ala2787Thr; replaces alanine 2787 with threonine.
Molecular consequence: missense variant. On other transcripts: intron variant (2).
Genome position (GRCh38, 1-based): chr11:108,343,312, G>A. VCF-style: chr11-108343312-G-A. GRCh37 (hg19) VCF-style: chr11-108214039-G-A.
Other names: c.8359G>A, p.Ala2787Thr (NM_001351834.2); c.641-34241C>T (NM_001330368.2); c.695-8020C>T (NM_001351110.2); short protein forms A2787T.
Identifiers: ClinVar variation 822327 (VCV000822327.12), dbSNP rs1591248677, ClinGen allele CA382516499.